The following is an entry in ClinVar:

NM_001303052.2(MYT1L):c.3080+8315G>A

Gene: MYT1L (myelin transcription factor 1 like; minus strand). Cytogenetic location: 2p25.3.
Variant type: single nucleotide variant.
Coding change: c.3080+8315G>A on transcript NM_001303052.2 (MANE Select); 8315 bases into the intron after coding-DNA position 3080, G replaced by A.
Molecular consequence: intron variant.
Genome position (GRCh38, 1-based): chr2:1,830,834, C>T on the plus strand (G>A on the coding strand, the complement: MYT1L is on the minus strand). VCF-style: chr2-1830834-C-T. GRCh37 (hg19) VCF-style: chr2-1834606-C-T.
Other names: c.3074+8315G>A (NM_015025.4, NM_001329847.2, NM_001329848.1 and 3 more transcripts); c.3080+8315G>A (NM_001329844.2, NM_001329845.1, NM_001329851.3).
Identifiers: ClinVar variation 2650612 (VCV002650612.24), dbSNP rs181565674, ClinGen allele CA41394012.

ClinVar aggregate classification (germline): Likely benign (1 of 4 stars; one submission).

Allele frequency attached by ClinVar (database versions not stated): TOPMed 0.00027; gnomAD 0.00031; 1000 Genomes Project 30x 0.00016.
gnomAD v4.1: 50 of 152,238 alleles (0.033%); highest among the groups gnomAD compares: Middle Eastern, 1%; no homozygotes.

Submission:

CeGaT Center for Human Genetics Tuebingen
Classification: Likely benign. Last evaluated: 2026-07-01. Review status: criteria provided, single submitter. Criteria: CeGaT Center For Human Genetics Tuebingen Variant Classification Criteria Version 2. Collection method: clinical testing. Allele origin: germline. Affected: yes. Observed: 4 variant alleles.
Comment: MYT1L: BS1